The following is an entry in ClinVar:

ClinVar aggregate classification (germline): Likely pathogenic (1 of 4 stars; one submission).

Conditions:
Charcot-Marie-Tooth disease axonal type 2T. Identifiers: Orphanet 443950, MedGen C4015635, OMIM 617017, MONDO:0014866.
Spinocerebellar ataxia 43 (SCA43). Identifiers: Orphanet 497764, MedGen C4310763, MONDO:0014867, OMIM 617018.

Submission:

Juno Genomics, Hangzhou Juno Genomics, Inc
Classification: Likely pathogenic for Spinocerebellar ataxia 43; Charcot-Marie-Tooth disease axonal type 2T. Review status: criteria provided, single submitter. Criteria: ACMG Guidelines, 2015. Collection method: clinical testing. Allele origin: germline. Affected: yes.
Comment: Null variant in a gene where loss of function (LOF) is a known mechanism of disease.;Absent from controls (or at extremely low frequency if recessive) in Genome Aggregation Database, Exome Sequencing Project, 1000 Genomes Project, or Exome Aggregation Consortium.

NM_007289.4(MME):c.1715C>A (p.Ser572Ter)

Gene: MME (membrane metalloendopeptidase; plus strand). Cytogenetic location: 3q25.2.
Variant type: single nucleotide variant.
Coding change: c.1715C>A on transcript NM_007289.4 (MANE Select); coding-DNA position 1715, C replaced by A.
Protein change: p.Ser572Ter; replaces serine 572 with a stop codon.
Molecular consequence: nonsense.
Genome position (GRCh38, 1-based): chr3:155,166,956, C>A. VCF-style: chr3-155166956-C-A. GRCh37 (hg19) VCF-style: chr3-154884745-C-A.
Other names: c.1715C>A, p.Ser572Ter (NM_000902.5, NM_001354642.2, NM_001354643.1 and 2 more transcripts); short protein forms S572*.
Identifiers: ClinVar variation 3383065 (VCV003383065.2).